The following is an entry in ClinVar:

NM_013275.6(ANKRD11):c.406A>C (p.Thr136Pro)

Gene: ANKRD11 (ankyrin repeat domain 11; minus strand). Cytogenetic location: 16q24.3.
Variant type: single nucleotide variant.
Coding change: c.406A>C on transcript NM_013275.6 (MANE Select); coding-DNA position 406, A replaced by C.
Protein change: p.Thr136Pro; replaces threonine 136 with proline.
Molecular consequence: missense variant. On other transcripts: non-coding transcript variant (1).
Genome position (GRCh38, 1-based): chr16:89,290,820, T>G on the plus strand (A>C on the coding strand, the complement: ANKRD11 is on the minus strand). VCF-style: chr16-89290820-T-G. GRCh37 (hg19) VCF-style: chr16-89357228-T-G.
Other names: c.406A>C, p.Thr136Pro (NM_001256182.2, NM_001256183.2); short protein forms T136P.
Identifiers: ClinVar variation 4711897 (VCV004711897.2).
Genomic context (GRCh38, chr16:89,290,820, plus strand): 5'-TTGAGGCAGAGTTGGGCGTTCCCTTCTGACACACTGTAGACTGGGAGGGGTGCTTTGGTG[T>G]TGTGTCCACTGCAGGCCAAGGAGGGGACAGATGGGCATTACTGTGGGGTGGTCCTGCTTT-3'
Protein context (NP_037407.4, residues 126-146): EESANSPVDT[Thr136Pro]PKHPSQSTVC

ClinVar aggregate classification (germline): Uncertain significance. Review status: criteria provided, multiple submitters, no conflicts (2 of 4 stars). 2 submissions from 2 submitters: Uncertain significance (2). Last evaluated 2025-02-02.

Conditions:
KBG syndrome (KBGS). Also called: ANKRD11-Related KBG Syndrome. Identifiers: Orphanet 2332, MedGen C0220687, MONDO:0007846, OMIM 148050.

Submissions (2):

Labcorp Genetics (formerly Invitae), Labcorp
Classification: Uncertain significance for KBG syndrome. Last evaluated: 2025-02-02. Review status: criteria provided, single submitter. Criteria: Invitae Variant Classification Sherloc (09022015). Collection method: clinical testing. Allele origin: germline.
Comment: This sequence change replaces threonine, which is neutral and polar, with proline, which is neutral and non-polar, at codon 136 of the ANKRD11 protein (p.Thr136Pro). This variant is not present in population databases (gnomAD no frequency). This variant has not been reported in the literature in individuals affected with ANKRD11-related conditions. Invitae Evidence Modeling of protein sequence and biophysical properties (such as structural, functional, and spatial information, amino acid conservation, physicochemical variation, residue mobility, and thermodynamic stability) indicates that this missense variant is not expected to disrupt ANKRD11 protein function with a negative predictive value of 95%. In summary, the available evidence is currently insufficient to determine the role of this variant in disease. Therefore, it has been classified as a Variant of Uncertain Significance.

Blueprint Genetics
Classification: Uncertain significance. Last evaluated: 2023-06-20. Review status: criteria provided, single submitter. Criteria: ACMG Guidelines, 2015. Collection method: clinical testing. Allele origin: germline.